The following is an entry in ClinVar:

ClinVar aggregate classification (germline): Pathogenic (1 of 4 stars; one submission).

Conditions:
Trichorhinophalangeal dysplasia type I (TRPS1). Also called: TRICHORHINOPHALANGEAL SYNDROME, TYPE I; TRPS I. Identifiers: Orphanet 77258, MedGen C0432233, MONDO:0008596, OMIM 190350.
Trichorhinophalangeal syndrome, type III (TRPS3). Also called: SUGIO-KAJII SYNDROME. Identifiers: Orphanet 77258, MedGen C1860823, OMIM 190351, MONDO:0008597.

Submission:

Labcorp Genetics (formerly Invitae), Labcorp
Classification: Pathogenic for Trichorhinophalangeal syndrome, type III; Trichorhinophalangeal dysplasia type I. Last evaluated: 2024-03-21. Review status: criteria provided, single submitter. Criteria: Invitae Variant Classification Sherloc (09022015). Collection method: clinical testing. Allele origin: germline.
Comment: This sequence change creates a premature translational stop signal (p.Gln975*) in the TRPS1 gene. While this is not anticipated to result in nonsense mediated decay, it is expected to disrupt the last 320 amino acid(s) of the TRPS1 protein. This variant is not present in population databases (gnomAD no frequency). This variant has not been reported in the literature in individuals affected with TRPS1-related conditions. This variant disrupts a region of the TRPS1 protein in which other variant(s) (p.Gly1187Alafs*22) have been determined to be pathogenic (Invitae). This suggests that this is a clinically significant region of the protein, and that variants that disrupt it are likely to be disease-causing. For these reasons, this variant has been classified as Pathogenic.

NM_014112.5(TRPS1):c.2923C>T (p.Gln975Ter)

Gene: TRPS1 (transcriptional repressor GATA binding 1; minus strand). Cytogenetic location: 8q23.3.
Variant type: single nucleotide variant.
Coding change: c.2923C>T on transcript NM_014112.5 (MANE Select); coding-DNA position 2923, C replaced by T.
Protein change: p.Gln975Ter; replaces glutamine 975 with a stop codon.
Molecular consequence: nonsense.
Genome position (GRCh38, 1-based): chr8:115,414,985, G>A on the plus strand (C>T on the coding strand, the complement: TRPS1 is on the minus strand). VCF-style: chr8-115414985-G-A. GRCh37 (hg19) VCF-style: chr8-116427213-G-A.
Other names: c.2896C>T, p.Gln966Ter (NM_001282902.3); c.2902C>T, p.Gln968Ter (NM_001282903.3); c.2884C>T, p.Gln962Ter (NM_001330599.2); short protein forms Q962*, Q966*, Q968*, Q975*.
Identifiers: ClinVar variation 3755462 (VCV003755462.2).